The following is an entry in ClinVar:

ClinVar aggregate classification (germline): Pathogenic. Review status: criteria provided, multiple submitters, no conflicts (2 of 4 stars). 3 submissions from 3 submitters: Pathogenic (2). 1 of the submissions does not count toward it. Last evaluated 2023-04-26.

Conditions:
MYH7-related skeletal myopathy. Also called: Myopathy, distal, 1; Laing distal myopathy; MYOPATHY, DISTAL, EARLY-ONSET, AUTOSOMAL DOMINANT; MYOPATHY, LATE DISTAL HEREDITARY; Laing early-onset distal myopathy. Identifiers: Orphanet 59135, MedGen C4552004, MONDO:0008050, OMIM 160500.
Hypertrophic cardiomyopathy. Also called: HYPERTROPHIC MYOCARDIOPATHY. Identifiers: Orphanet 217569, MedGen C0007194, MeSH D002312, MONDO:0005045, HP:0001639.

Submissions (3):

Revvity Omics, Revvity
Classification: Pathogenic. Last evaluated: 2023-04-26. Review status: criteria provided, single submitter. Criteria: ACMG Guidelines, 2015. Collection method: clinical testing. Allele origin: germline.

Labcorp Genetics (formerly Invitae), Labcorp
Classification: Pathogenic for Hypertrophic cardiomyopathy. Last evaluated: 2022-09-19. Review status: criteria provided, single submitter. Criteria: Invitae Variant Classification Sherloc (09022015). Collection method: clinical testing. Allele origin: germline.
Comment: Experimental studies have shown that this missense change affects MYH7 function (PMID: 19854198, 22155079). Advanced modeling of protein sequence and biophysical properties (such as structural, functional, and spatial information, amino acid conservation, physicochemical variation, residue mobility, and thermodynamic stability) performed at Invitae indicates that this missense variant is expected to disrupt MYH7 protein function. ClinVar contains an entry for this variant (Variation ID: 14115). This missense change has been observed in individual(s) with Laing early-onset distal myopathy (PMID: 15322983). In at least one individual the variant was observed to be de novo. This variant is not present in population databases (gnomAD no frequency). This sequence change replaces arginine, which is basic and polar, with proline, which is neutral and non-polar, at codon 1500 of the MYH7 protein (p.Arg1500Pro). For these reasons, this variant has been classified as Pathogenic. This variant disrupts the p.Arg1500 amino acid residue in MYH7. Other variant(s) that disrupt this residue have been determined to be pathogenic (PMID: 15556047, 18660445, 19412328, 24119082). This suggests that this residue is clinically significant, and that variants that disrupt this residue are likely to be disease-causing.

OMIM
Classification: Pathogenic for LAING DISTAL MYOPATHY. Last evaluated: 2004-10-01. Review status: no assertion criteria provided. Collection method: literature only. Allele origin: germline. Not counted in ClinVar's aggregate classification.

Literature cited by the submitters: PubMed 19854198 (cited by Labcorp Genetics (formerly Invitae), Labcorp); PubMed 22155079 (cited by Labcorp Genetics (formerly Invitae), Labcorp); PubMed 15322983 (cited by Labcorp Genetics (formerly Invitae), Labcorp and OMIM); PubMed 15556047 (cited by Labcorp Genetics (formerly Invitae), Labcorp); PubMed 18660445 (cited by Labcorp Genetics (formerly Invitae), Labcorp); PubMed 19412328 (cited by Labcorp Genetics (formerly Invitae), Labcorp); PubMed 24119082 (cited by Labcorp Genetics (formerly Invitae), Labcorp).

NM_000257.4(MYH7):c.4499G>C (p.Arg1500Pro)

Genes: MYH7 (myosin heavy chain 7; minus strand), MHRT (myosin heavy chain associated RNA transcript; plus strand). Cytogenetic location: 14q11.2.
Variant type: single nucleotide variant.
Coding change: c.4499G>C on transcript NM_000257.4 (MANE Select); coding-DNA position 4499, G replaced by C.
Protein change: p.Arg1500Pro; replaces arginine 1500 with proline.
Molecular consequence: missense variant.
Genome position (GRCh38, 1-based): chr14:23,417,173, C>G on the plus strand (G>C on the coding strand, the complement: MYH7 is on the minus strand). VCF-style: chr14-23417173-C-G. GRCh37 (hg19) VCF-style: chr14-23886382-C-G.
Other names: c.4499G>C, p.Arg1500Pro (LRG_384t1); short protein forms R1500P.
Identifiers: ClinVar variation 14115 (VCV000014115.10), dbSNP rs121913647, ClinGen allele CA015044.